The following is an entry in ClinVar:

ClinVar aggregate classification (germline): Conflicting classifications of pathogenicity. Review status: criteria provided, conflicting classifications (1 of 4 stars). 2 submissions from 2 submitters: Uncertain significance (1); Likely benign (1). Last evaluated 2024-03-01.

Allele frequency attached by ClinVar (database versions not stated): gnomAD exomes 0.00009; gnomAD 0.00013; ESP Exome Variant Server 0.00015; TOPMed 0.00015; ExAC 0.00018.
gnomAD v4.1: 177 of 1,614,104 alleles (0.011%); highest among the groups gnomAD compares: African/African-American, 0.0053%; no homozygotes.

Submissions (2):

CeGaT Center for Human Genetics Tuebingen
Classification: Likely benign. Last evaluated: 2024-03-01. Review status: criteria provided, single submitter. Criteria: CeGaT Center For Human Genetics Tuebingen Variant Classification Criteria Version 2. Collection method: clinical testing. Allele origin: germline. Affected: yes. Observed: 1 variant allele.
Comment: FLG2: BP4

Ambry Genetics
Classification: Uncertain significance. Last evaluated: 2021-07-14. Review status: criteria provided, single submitter. Criteria: Ambry Variant Classification Scheme 2023. Collection method: clinical testing. Allele origin: germline.

NM_001014342.3(FLG2):c.3777G>C (p.Gln1259His)

Genes: CCDST (cervical cancer associated DHX9 suppressive transcript; plus strand), FLG2 (filaggrin 2; minus strand). Cytogenetic location: 1q21.3.
Variant type: single nucleotide variant.
Coding change: c.3777G>C on transcript NM_001014342.3 (MANE Select); coding-DNA position 3777, G replaced by C.
Protein change: p.Gln1259His; replaces glutamine 1259 with histidine.
Molecular consequence: missense variant.
Genome position (GRCh38, 1-based): chr1:152,354,009, C>G on the plus strand (G>C on the coding strand, the complement: FLG2 is on the minus strand). VCF-style: chr1-152354009-C-G. GRCh37 (hg19) VCF-style: chr1-152326485-C-G.
Other names: short protein forms Q1259H.
Identifiers: ClinVar variation 2402638 (VCV002402638.24), dbSNP rs376664046, ClinGen allele CA1108862.